The following is an entry in ClinVar:

NM_004360.5(CDH1):c.840T>A (p.Ser280=)

Gene: CDH1 (cadherin 1; plus strand). Cytogenetic location: 16q22.1.
Variant type: single nucleotide variant.
Coding change: c.840T>A on transcript NM_004360.5 (MANE Select); coding-DNA position 840, T replaced by A.
Protein change: p.Ser280=; no amino-acid change (serine 280 retained).
Molecular consequence: synonymous variant. On other transcripts: 5 prime UTR variant (2).
Genome position (GRCh38, 1-based): chr16:68,811,691, T>A. VCF-style: chr16-68811691-T-A. GRCh37 (hg19) VCF-style: chr16-68845594-T-A.
Other names: c.840T>A, p.Ser280= (NM_001317184.2); c.-776T>A (NM_001317185.2); c.-980T>A (NM_001317186.2).
Identifiers: ClinVar variation 1088532 (VCV001088532.10), dbSNP rs2152131883, ClinGen allele CA496152844.

ClinVar aggregate classification (germline): Benign/Likely benign. Review status: criteria provided, multiple submitters, no conflicts (2 of 4 stars). 2 submissions from 2 submitters: Benign (1); Likely benign (1). Last evaluated 2024-09-16.

Conditions:
Hereditary diffuse gastric adenocarcinoma (HDGC). Also called: DIFFUSE GASTRIC AND LOBULAR BREAST CANCER SYNDROME. Identifiers: Orphanet 26106, MedGen C1708349, MONDO:0007648, OMIM 137215.

Submissions (2):

Myriad Genetics, Inc.
Classification: Benign for Hereditary diffuse gastric adenocarcinoma. Last evaluated: 2024-09-16. Review status: criteria provided, single submitter. Criteria: Myriad Autosomal Dominant, Autosomal Recessive and X-Linked Classification Criteria (2023). Collection method: clinical testing. Allele origin: unknown.
Comment: This variant is considered benign. This variant is a silent/synonymous amino acid change and it is not expected to impact splicing.

Labcorp Genetics (formerly Invitae), Labcorp
Classification: Likely benign for Hereditary diffuse gastric adenocarcinoma. Last evaluated: 2020-01-23. Review status: criteria provided, single submitter. Criteria: Invitae Variant Classification Sherloc (09022015). Collection method: clinical testing. Allele origin: germline.